The following is an entry in ClinVar:

ClinVar aggregate classification (germline): Uncertain significance (1 of 4 stars; one submission).

Conditions:
Abnormality of the dentition. Also called: Dental anomalies. Identifiers: MedGen C0262444, HP:0000164.

Allele frequency attached by ClinVar (database versions not stated): gnomAD exomes below 0.00001.
gnomAD v4.1: 1 of 1,596,396 alleles (0.000063%); highest among the groups gnomAD compares: Non-Finnish European, 0.000085%; no homozygotes.

Submission:

SIB Swiss Institute of Bioinformatics
Classification: Uncertain significance for Abnormality of the dentition. Last evaluated: 2022-06-08. Review status: criteria provided, single submitter. Criteria: ACMG Guidelines, 2015. Collection method: curation. Allele origin: unknown.
Comment: This variant is interpreted as a variants of uncertain significance. The following ACMG Tag(s) were applied: Absent from controls (or at extremely low frequency if recessive) in Exome Sequencing Project, 1000 Genomes Project, or Exome Aggregation Consortium (PM2).

Literature cited by the submitters: PubMed 35537890.

NM_025216.3(WNT10A):c.1042C>T (p.Arg348Cys)

Gene: WNT10A (Wnt family member 10A; plus strand). Cytogenetic location: 2q35.
Variant type: single nucleotide variant.
Coding change: c.1042C>T on transcript NM_025216.3 (MANE Select); coding-DNA position 1042, C replaced by T.
Protein change: p.Arg348Cys; replaces arginine 348 with cysteine.
Molecular consequence: missense variant.
Genome position (GRCh38, 1-based): chr2:218,893,059, C>T. VCF-style: chr2-218893059-C-T. GRCh37 (hg19) VCF-style: chr2-219757781-C-T.
Other names: short protein forms R348C.
Identifiers: ClinVar variation 1691421 (VCV001691421.2), dbSNP rs978088338, ClinGen allele CA350590864.